The following is an entry in ClinVar:

ClinVar aggregate classification (germline): Conflicting classifications of pathogenicity. Review status: criteria provided, conflicting classifications (1 of 4 stars). 4 submissions from 4 submitters: Uncertain significance (3); Likely benign (1). Last evaluated 2026-07-31.

Conditions:
Hereditary nonpolyposis colorectal neoplasms. Identifiers: MedGen C0009405, MeSH D003123.
Hereditary cancer-predisposing syndrome. Also called: Neoplastic Syndromes, Hereditary; Hereditary neoplastic syndrome; Hereditary Cancer Syndrome; Tumor predisposition. Identifiers: Orphanet 140162, MedGen C0027672, MeSH D009386, MONDO:0015356.

Allele frequency attached by ClinVar (database versions not stated): ExAC 0.00001; gnomAD exomes 0.00001.
gnomAD v4.1: 7 of 1,613,590 alleles (0.00043%); highest among the groups gnomAD compares: Non-Finnish European, 0.00059%; no homozygotes.

Submissions (4):

Ambry Genetics
Classification: Uncertain significance for Hereditary cancer-predisposing syndrome. Last evaluated: 2026-07-31. Review status: criteria provided, single submitter. Criteria: Ambry Variant Classification Scheme 2023. Collection method: clinical testing. Allele origin: germline.
Comment: The p.I1313T variant (also known as c.3938T>C), located in coding exon 9 of the MSH6 gene, results from a T to C substitution at nucleotide position 3938. The isoleucine at codon 1313 is replaced by threonine, an amino acid with similar properties. This amino acid position is well conserved in available vertebrate species. In addition, this alteration is predicted to be deleterious by in silico analysis. Based on the available evidence, the clinical significance of this variant remains unclear.

Labcorp Genetics (formerly Invitae), Labcorp
Classification: Likely benign for Hereditary nonpolyposis colorectal neoplasms. Last evaluated: 2025-11-12. Review status: criteria provided, single submitter. Criteria: Invitae Variant Classification Sherloc (09022015). Collection method: clinical testing. Allele origin: germline.

Color Diagnostics, LLC DBA Color Health
Classification: Uncertain significance for Hereditary cancer-predisposing syndrome. Last evaluated: 2025-07-15. Review status: criteria provided, single submitter. Criteria: ACMG Guidelines, 2015. Collection method: clinical testing. Allele origin: germline.
Comment: This missense variant replaces isoleucine with threonine at codon 1313 of the MSH6 protein. Computational prediction suggests that this variant may have deleterious impact on protein structure and function. To our knowledge, functional studies have not been reported for this variant. This variant has been reported in two individuals affected with ovarian cancer (PMID: 23047549). This variant has been identified in 2/249986 chromosomes in the general population by the Genome Aggregation Database (gnomAD). The available evidence is insufficient to determine the role of this variant in disease conclusively. Therefore, this variant is classified as a Variant of Uncertain Significance.

GeneDx
Classification: Uncertain significance. Last evaluated: 2024-02-21. Review status: criteria provided, single submitter. Criteria: GeneDx Variant Classification Process June 2021. Collection method: clinical testing. Allele origin: germline. Affected: yes.
Comment: Not observed at significant frequency in large population cohorts (gnomAD); In silico analysis supports that this missense variant has a deleterious effect on protein structure/function; This variant is associated with the following publications: (PMID: 23047549, 26898890, 17531815, 21120944, 12019211)

Literature cited by the submitters: PubMed 23047549 (cited by Color Diagnostics, LLC DBA Color Health).

NM_000179.3(MSH6):c.3938T>C (p.Ile1313Thr)

Gene: MSH6 (mutS homolog 6; plus strand). Cytogenetic location: 2p16.3.
Variant type: single nucleotide variant.
Coding change: c.3938T>C on transcript NM_000179.3 (MANE Select); coding-DNA position 3938, T replaced by C.
Protein change: p.Ile1313Thr; replaces isoleucine 1313 with threonine.
Molecular consequence: missense variant.
Genome position (GRCh38, 1-based): chr2:47,806,588, T>C. VCF-style: chr2-47806588-T-C. GRCh37 (hg19) VCF-style: chr2-48033727-T-C.
Other names: c.3548T>C, p.Ile1183Thr (NM_001281492.2); c.3032T>C, p.Ile1011Thr (NM_001281493.2, NM_001281494.2); short protein forms I1313T, I1011T, I1183T.
Identifiers: ClinVar variation 490015 (VCV000490015.17), dbSNP rs762115705, ClinGen allele CA072337.